The following is an entry in ClinVar:

NM_006031.6(PCNT):c.8591_8594del (p.Glu2864fs)

Gene: PCNT (pericentrin; plus strand). Cytogenetic location: 21q22.3.
Variant type: Microsatellite.
Coding change: c.8591_8594del on transcript NM_006031.6 (MANE Select); coding-DNA positions 8591 to 8594, 4 bases deleted (AGAG; older notation c.8591_8594delAGAG).
Protein change: p.Glu2864fs; shifts the reading frame from glutamic acid 2864.
Molecular consequence: frameshift variant. On other transcripts: intron variant (1).
Genome position (GRCh38, 1-based): chr21:46,432,055-46,432,058, AGAG deleted; deleting any 4 consecutive bases within chr21:46,432,048-46,432,058 gives the same sequence; the c. name uses the placement nearest the transcript's 3' end. VCF-style (leftmost placement, unchanged base first): chr21-46432047-GGAGA-G. GRCh37 (hg19) VCF-style: chr21-47851961-GGAGA-G.
Other names: c.8160+70GA[3] (NM_001315529.2); short protein forms E2864fs.
Identifiers: ClinVar variation 2709033 (VCV002709033.3), dbSNP rs751242426, ClinGen allele CA10080999.

ClinVar aggregate classification (germline): Pathogenic (1 of 4 stars; one submission).

Submission:

Labcorp Genetics (formerly Invitae), Labcorp
Classification: Pathogenic. Last evaluated: 2023-07-07. Review status: criteria provided, single submitter. Criteria: Invitae Variant Classification Sherloc (09022015). Collection method: clinical testing. Allele origin: germline.
Comment: This sequence change creates a premature translational stop signal (p.Glu2864Glyfs*11) in the PCNT gene. It is expected to result in an absent or disrupted protein product. Loss-of-function variants in PCNT are known to be pathogenic (PMID: 18174396, 22821869). This variant is present in population databases (rs751242426, gnomAD 0.002%). This variant has not been reported in the literature in individuals affected with PCNT-related conditions. For these reasons, this variant has been classified as Pathogenic.

Literature cited by the submitters: PubMed 18174396; PubMed 22821869.